The following is an entry in ClinVar:

NM_001164277.2(SLC37A4):c.3G>C (p.Met1Ile)

Gene: SLC37A4 (solute carrier family 37 member 4; minus strand). Cytogenetic location: 11q23.3.
Variant type: single nucleotide variant.
Coding change: c.3G>C on transcript NM_001164277.2 (MANE Select); coding-DNA position 3, G replaced by C.
Protein change: p.Met1Ile; changes the start codon (methionine 1).
Molecular consequence: missense variant, initiator codon variant. On other transcripts: intron variant (1).
Genome position (GRCh38, 1-based): chr11:119,029,367, C>G on the plus strand (G>C on the coding strand, the complement: SLC37A4 is on the minus strand). VCF-style: chr11-119029367-C-G. GRCh37 (hg19) VCF-style: chr11-118900077-C-G.
Other names: c.3G>C, p.Met1Ile (NM_001164278.2, NM_001164280.2, NM_001467.6); c.-172+25G>C (NM_001164279.2); short protein forms M1I.
Identifiers: ClinVar variation 3724640 (VCV003724640.3).

ClinVar aggregate classification (germline): Pathogenic/Likely pathogenic. Review status: criteria provided, multiple submitters, no conflicts (2 of 4 stars). 2 submissions from 2 submitters: Pathogenic (1); Likely pathogenic (1). Last evaluated 2025-11-28.

Conditions:
Glucose-6-phosphate transport defect (GSD1B). Also called: Glycogen Storage Disease Type Ib; GSD Ib. Identifiers: Orphanet 364, Orphanet 79259, MedGen C0268146, MONDO:0009288, OMIM 232220.
Glycogen storage disease. Also called: Disorder of glycogen metabolism; glycogen storage disorder. Identifiers: Orphanet 79201, MedGen C0017919, MONDO:0002412.

Submissions (2):

Genetics Laboratory, Great Ormond Street Hospital NHS Foundation Trust, North Thames Genomic Laboratory Hub
Classification: Likely pathogenic for Glycogen storage disease. Last evaluated: 2025-11-28. Review status: criteria provided, single submitter. Criteria: ACGS Best Practice Guidelines for Variant Classification in Rare Disease 2024 v1.2. Collection method: clinical testing. Allele origin: germline. Affected: yes.
Comment: PM2_moderate, PVS1_supporting, PS1_moderate, PM3_supporting, PP4_supporting

Labcorp Genetics (formerly Invitae), Labcorp
Classification: Pathogenic for Glucose-6-phosphate transport defect. Last evaluated: 2024-11-04. Review status: criteria provided, single submitter. Criteria: Invitae Variant Classification Sherloc (09022015). Collection method: clinical testing. Allele origin: germline.
Comment: This sequence change affects the initiator methionine of the SLC37A4 mRNA. The next in-frame methionine is located at codon 17. This variant is not present in population databases (gnomAD no frequency). Disruption of the initiator codon has been observed in individual(s) with glycogen storage disease (PMID: 10482962). In at least one individual the data is consistent with being in trans (on the opposite chromosome) from a pathogenic variant. Algorithms developed to predict the effect of variants on gene product structure and function are not available or were not evaluated for this variant. Experimental studies have shown that disruption of the initiator codon affects SLC37A4 function (PMID: 12444104). For these reasons, this variant has been classified as Pathogenic.

Literature cited by the submitters: PubMed 10482962 (cited by Labcorp Genetics (formerly Invitae), Labcorp); PubMed 12444104 (cited by Labcorp Genetics (formerly Invitae), Labcorp).